The following is an entry in ClinVar:

ClinVar aggregate classification (germline): Uncertain significance. Review status: criteria provided, multiple submitters, no conflicts (2 of 4 stars). 3 submissions from 3 submitters: Uncertain significance (3). Last evaluated 2025-02-12.

Conditions:
Inborn genetic diseases. Identifiers: MedGen C0950123, MeSH D030342.

Allele frequency attached by ClinVar (database versions not stated): ExAC 0.00006; gnomAD 0.00009.
gnomAD v4.1: 200 of 1,533,888 alleles (0.013%); highest among the groups gnomAD compares: Non-Finnish European, 0.016%; no homozygotes.

Submissions (3):

Ambry Genetics
Classification: Uncertain significance for Inborn genetic diseases. Last evaluated: 2025-02-12. Review status: criteria provided, single submitter. Criteria: Ambry Variant Classification Scheme 2023. Collection method: clinical testing. Allele origin: germline.

Revvity Omics, Revvity
Classification: Uncertain significance. Last evaluated: 2024-07-25. Review status: criteria provided, single submitter. Criteria: ACMG Guidelines, 2015. Collection method: clinical testing. Allele origin: germline.

GeneDx
Classification: Uncertain significance. Last evaluated: 2022-09-07. Review status: criteria provided, single submitter. Criteria: GeneDx Variant Classification Process June 2021. Collection method: clinical testing. Allele origin: germline. Affected: yes.
Comment: In silico analysis supports that this missense variant does not alter protein structure/function; Has not been previously published as pathogenic or benign to our knowledge

NM_001142864.4(PIEZO1):c.1178C>T (p.Ser393Phe)

Genes: HSALR1 (HSP90AB1 associated lncRNA 1; plus strand), PIEZO1 (piezo type mechanosensitive ion channel component 1 (Er blood group); minus strand). Cytogenetic location: 16q24.3.
Variant type: single nucleotide variant.
Coding change: c.1178C>T on transcript NM_001142864.4 (MANE Select); coding-DNA position 1178, C replaced by T.
Protein change: p.Ser393Phe; replaces serine 393 with phenylalanine.
Molecular consequence: missense variant.
Genome position (GRCh38, 1-based): chr16:88,737,576, G>A on the plus strand (C>T on the coding strand, the complement: PIEZO1 is on the minus strand). VCF-style: chr16-88737576-G-A. GRCh37 (hg19) VCF-style: chr16-88803984-G-A.
Other names: short protein forms S393F.
Identifiers: ClinVar variation 2386482 (VCV002386482.6), dbSNP rs762815292, ClinGen allele CA8233097.